The following is an entry in ClinVar:

NM_001048174.2(MUTYH):c.35A>G (p.His12Arg)

Gene: MUTYH (mutY DNA glycosylase; minus strand). Cytogenetic location: 1p34.1.
Variant type: single nucleotide variant.
Coding change: c.35A>G on transcript NM_001048174.2 (MANE Select); coding-DNA position 35, A replaced by G.
Protein change: p.His12Arg; replaces histidine 12 with arginine.
Molecular consequence: missense variant. On other transcripts: 5 prime UTR variant (7), non-coding transcript variant (7).
Genome position (GRCh38, 1-based): chr1:45,334,471, T>C on the plus strand (A>G on the coding strand, the complement: MUTYH is on the minus strand). VCF-style: chr1-45334471-T-C. GRCh37 (hg19) VCF-style: chr1-45800143-T-C.
Other names: c.35A>G, p.His12Arg (NM_001048171.2, NM_001048172.2, NM_001048173.2 and 15 more transcripts); c.77A>G, p.His26Arg (NM_001128425.2, NM_001407069.1, NM_001293190.2 and 2 more transcripts); c.-178A>G (NM_001293192.2, NM_001293196.2, NM_001407091.1); c.-237A>G (NM_001350650.2); c.-173A>G (NM_001350651.2, NM_001407082.1); c.-122A>G (NM_001407075.1); c.53A>G, p.His18Arg (NM_001407087.1); short protein forms H12R, H18R, H26R.
Identifiers: ClinVar variation 4113836 (VCV004113836.1).

ClinVar aggregate classification (germline): Uncertain significance (1 of 4 stars; one submission).

Conditions:
Hereditary cancer-predisposing syndrome. Also called: Hereditary neoplastic syndrome; Neoplastic Syndromes, Hereditary; Tumor predisposition; Hereditary Cancer Syndrome. Identifiers: Orphanet 140162, MedGen C0027672, MeSH D009386, MONDO:0015356.

Submission:

Ambry Genetics
Classification: Uncertain significance for Hereditary cancer-predisposing syndrome. Last evaluated: 2025-08-27. Review status: criteria provided, single submitter. Criteria: Ambry Variant Classification Scheme 2023. Collection method: clinical testing. Allele origin: germline.
Comment: The p.H26R variant (also known as c.77A>G), located in coding exon 2 of the MUTYH gene, results from an A to G substitution at nucleotide position 77. The histidine at codon 26 is replaced by arginine, an amino acid with highly similar properties. This amino acid position is conserved. In addition, this alteration is predicted to be tolerated by in silico analysis. Based on the available evidence, the clinical significance of this variant remains unclear.